The following is an entry in ClinVar:

NM_000807.4(GABRA2):c.1060-5652A>G

Gene: GABRA2 (gamma-aminobutyric acid type A receptor subunit alpha2; minus strand). Cytogenetic location: 4p12.
Variant type: single nucleotide variant.
Coding change: c.1060-5652A>G on transcript NM_000807.4 (MANE Select); 5652 bases into the intron before coding-DNA position 1060, A replaced by G.
Molecular consequence: intron variant. On other transcripts: missense variant (4).
Genome position (GRCh38, 1-based): chr4:46,256,256, T>C on the plus strand (A>G on the coding strand, the complement: GABRA2 is on the minus strand). VCF-style: chr4-46256256-T-C. GRCh37 (hg19) VCF-style: chr4-46258273-T-C.
Other names: c.1013A>G, p.Gln338Arg (NM_001286827.3); c.1178A>G, p.Gln393Arg (NM_001330690.2, NM_001377144.1, NM_001377145.1); c.895-5652A>G (NM_001377154.1, NM_001377152.1, NM_001377153.1); c.1060-5652A>G (NM_001377146.1, NM_001377150.1, NM_001377147.1 and 4 more transcripts); short protein forms Q338R, Q393R.
Identifiers: ClinVar variation 2837386 (VCV002837386.3), dbSNP rs2109327395, ClinGen allele CA356803366.

ClinVar aggregate classification (germline): Uncertain significance (1 of 4 stars; one submission).

Submission:

Labcorp Genetics (formerly Invitae), Labcorp
Classification: Uncertain significance. Last evaluated: 2023-02-14. Review status: criteria provided, single submitter. Criteria: Invitae Variant Classification Sherloc (09022015). Collection method: clinical testing. Allele origin: germline.
Comment: In summary, the available evidence is currently insufficient to determine the role of this variant in disease. Therefore, it has been classified as a Variant of Uncertain Significance. An algorithm developed to predict the effect of missense changes on protein structure and function (PolyPhen-2) suggests that this variant is likely to be tolerated. This variant has not been reported in the literature in individuals affected with GABRA2-related conditions. This variant is not present in population databases (gnomAD no frequency). This sequence change replaces glutamine, which is neutral and polar, with arginine, which is basic and polar, at codon 393 of the GABRA2 protein (p.Gln393Arg).